The following is an entry in ClinVar:

NM_000059.4(BRCA2):c.1528G>A (p.Glu510Lys)

Gene: BRCA2 (BRCA2 DNA repair associated; plus strand). Cytogenetic location: 13q13.1.
Variant type: single nucleotide variant.
Coding change: c.1528G>A on transcript NM_000059.4 (MANE Select); coding-DNA position 1528, G replaced by A.
Protein change: p.Glu510Lys; replaces glutamic acid 510 with lysine.
Molecular consequence: missense variant.
Genome position (GRCh38, 1-based): chr13:32,333,006, G>A. VCF-style: chr13-32333006-G-A. GRCh37 (hg19) VCF-style: chr13-32907143-G-A.
Other names: short protein forms E510K.
Identifiers: ClinVar variation 1471427 (VCV001471427.9), dbSNP rs80358438, ClinGen allele CA387764583.

ClinVar aggregate classification (germline): Conflicting classifications of pathogenicity. Review status: criteria provided, conflicting classifications (1 of 4 stars). 2 submissions from 2 submitters: Uncertain significance (1); Likely benign (1). Last evaluated 2023-03-23.

Conditions:
Hereditary cancer-predisposing syndrome. Also called: Tumor predisposition; Hereditary Cancer Syndrome; Hereditary neoplastic syndrome; Neoplastic Syndromes, Hereditary. Identifiers: Orphanet 140162, MedGen C0027672, MeSH D009386, MONDO:0015356.
Hereditary breast ovarian cancer syndrome. Also called: BRCA1- and BRCA2-Associated Hereditary Breast and Ovarian Cancer; Hereditary breast and ovarian cancer; Hereditary breast and ovarian cancer syndrome; Hereditary breast and ovarian cancer syndrome (HBOC); Breast and ovarian cancer; Hereditary breast and/or ovarian cancer syndrome. Identifiers: Orphanet 145, MedGen C0677776, MeSH D061325, MONDO:0003582. Disease mechanism: loss of function.

Allele frequency attached by ClinVar (database versions not stated): gnomAD exomes below 0.00001.

Submissions (2):

University of Washington Department of Laboratory Medicine, University of Washington
Classification: Likely benign for Hereditary cancer-predisposing syndrome. Last evaluated: 2023-03-23. Review status: criteria provided, single submitter. Criteria: Dines et al. (Genet Med. 2020). Collection method: curation. Allele origin: germline.
Comment: Missense variant in a coldspot region where missense variants are very unlikely to be pathogenic (PMID:31911673).

BRCA2 exon 10 coldspot. Reclassification based on statistical prior probability.

Labcorp Genetics (formerly Invitae), Labcorp
Classification: Uncertain significance for Hereditary breast ovarian cancer syndrome. Last evaluated: 2021-04-02. Review status: criteria provided, single submitter. Criteria: Invitae Variant Classification Sherloc (09022015). Collection method: clinical testing. Allele origin: germline.
Comment: In summary, the available evidence is currently insufficient to determine the role of this variant in disease. Therefore, it has been classified as a Variant of Uncertain Significance. Advanced modeling of protein sequence and biophysical properties (such as structural, functional, and spatial information, amino acid conservation, physicochemical variation, residue mobility, and thermodynamic stability) performed at Invitae indicates that this missense variant is not expected to disrupt BRCA2 protein function. This variant has not been reported in the literature in individuals with BRCA2-related conditions. This variant is not present in population databases (ExAC no frequency). This sequence change replaces glutamic acid with lysine at codon 510 of the BRCA2 protein (p.Glu510Lys). The glutamic acid residue is moderately conserved and there is a small physicochemical difference between glutamic acid and lysine.